The following is an entry in ClinVar:

ClinVar aggregate classification (germline): Pathogenic. Review status: criteria provided, multiple submitters, no conflicts (2 of 4 stars). 4 submissions from 4 submitters: Pathogenic (4). Last evaluated 2024-05-16.

Conditions:
Deficiency of acetyl-CoA acetyltransferase. Also called: 3-KETOTHIOLASE DEFICIENCY; 3-OXOTHIOLASE DEFICIENCY; Beta-ketothiolase deficiency; MITOCHONDRIAL ACETOACETYL-CoA THIOLASE DEFICIENCY. Identifiers: Orphanet 134, MedGen C1536500, MONDO:0008760, OMIM 203750. Disease mechanism: loss of function.

Submissions (4):

Natera, Inc.
Classification: Pathogenic for Alpha-methylacetoacetic aciduria. Last evaluated: 2024-05-16. Review status: criteria provided, single submitter. Criteria: Natera Variant Classification Schema (03/2026). Collection method: clinical testing. Allele origin: germline.
Comment: The c.1032dup variant in ACAT1 is a frameshift variant predicted to shift the reading frame beginning at codon 345 and leads to a stop codon 10 codons downstream. This variant is expected to result in nonsense mediated decay, truncation, or a dysfunctional protein product. This variant is rare in the general population with a frequency below the threshold expected for the associated phenotype(s). This variant has been observed in one or more individuals affected with the associated recessive disease, as either homozygous or compound heterozygous with a second variant (PMID: 28220263). Additionally, this variant has been observed to segregate in affected family members (PMID: 28220263). Given the available evidence, this variant is classified as Pathogenic.

Labcorp Genetics (formerly Invitae), Labcorp
Classification: Pathogenic for Deficiency of acetyl-CoA acetyltransferase. Last evaluated: 2022-10-09. Review status: criteria provided, single submitter. Criteria: Invitae Variant Classification Sherloc (09022015). Collection method: clinical testing. Allele origin: germline.
Comment: For these reasons, this variant has been classified as Pathogenic. ClinVar contains an entry for this variant (Variation ID: 666523). This premature translational stop signal has been observed in individual(s) with beta-ketothiolase deficiency (PMID: 28220263). This variant is not present in population databases (gnomAD no frequency). This sequence change creates a premature translational stop signal (p.Glu345Argfs*10) in the ACAT1 gene. It is expected to result in an absent or disrupted protein product. Loss-of-function variants in ACAT1 are known to be pathogenic (PMID: 7749408).

Revvity Omics, Revvity
Classification: Pathogenic for Deficiency of acetyl-CoA acetyltransferase. Last evaluated: 2021-03-26. Review status: criteria provided, single submitter. Criteria: ACMG Guidelines, 2015. Collection method: clinical testing. Allele origin: germline.

Department of Pediatrics, Gifu University
Classification: Pathogenic for Deficiency of acetyl-CoA acetyltransferase. Last evaluated: 2019-05-05. Review status: criteria provided, single submitter. Criteria: ACMG Guidelines, 2015. Collection method: research. Allele origin: germline. Affected: yes. Observed: 2 variant alleles.

Literature cited by the submitters: PubMed 28220263 (cited by Natera, Inc. and Labcorp Genetics (formerly Invitae), Labcorp); PubMed 7749408 (cited by Labcorp Genetics (formerly Invitae), Labcorp); PubMed 31268215 (cited by Department of Pediatrics, Gifu University).

NM_000019.4(ACAT1):c.1032dup (p.Glu345fs)

Gene: ACAT1 (acetyl-CoA acetyltransferase 1; plus strand). Cytogenetic location: 11q22.3.
Variant type: Duplication.
Coding change: c.1032dup on transcript NM_000019.4 (MANE Select); coding-DNA position 1032, one base duplicated (A; older notation c.1032dupA).
Protein change: p.Glu345fs; shifts the reading frame from glutamic acid 345.
Molecular consequence: frameshift variant.
Genome position (GRCh38, 1-based): chr11:108,146,228, A duplicated; the last of 6 consecutive A bases (chr11:108,146,223-108,146,228); duplicating any one gives the same sequence. VCF-style (leftmost placement, unchanged base first): chr11-108146222-G-GA. GRCh37 (hg19) VCF-style: chr11-108016949-G-GA.
Other names: short protein forms E345fs.
Identifiers: ClinVar variation 666523 (VCV000666523.10), dbSNP rs1565297723, ClinGen allele CA915947699.